The following is an entry in ClinVar:

NM_001035.3(RYR2):c.13988G>A (p.Arg4663Gln)

Gene: RYR2 (ryanodine receptor 2; plus strand). Cytogenetic location: 1q43.
Variant type: single nucleotide variant.
Coding change: c.13988G>A on transcript NM_001035.3 (MANE Select); coding-DNA position 13988, G replaced by A.
Protein change: p.Arg4663Gln; replaces arginine 4663 with glutamine.
Molecular consequence: missense variant.
Genome position (GRCh38, 1-based): chr1:237,798,068, G>A. VCF-style: chr1-237798068-G-A. GRCh37 (hg19) VCF-style: chr1-237961368-G-A.
Other names: short protein forms R4663Q.
Identifiers: ClinVar variation 2717907 (VCV002717907.4), dbSNP rs1483438745, ClinGen allele CA345419616.

ClinVar aggregate classification (germline): Uncertain significance. Review status: criteria provided, multiple submitters, no conflicts (2 of 4 stars). 2 submissions from 2 submitters: Uncertain significance (2). Last evaluated 2026-01-14.

Conditions:
Catecholaminergic polymorphic ventricular tachycardia (CVPT). Also called: Catecholamine-induced polymorphic ventricular tachycardia. Identifiers: Orphanet 3286, MedGen C5574922, MONDO:0017990.
Catecholaminergic polymorphic ventricular tachycardia 1. Also called: VENTRICULAR TACHYCARDIA, STRESS-INDUCED POLYMORPHIC 1; RYR2-Related Catecholaminergic Polymorphic Ventricular Tachycardia; VENTRICULAR TACHYCARDIA, CATECHOLAMINERGIC POLYMORPHIC, 1, WITH OR WITHOUT ATRIAL DYSFUNCTION AND/OR DILATED CARDIOMYOPATHY. Identifiers: Orphanet 3286, MedGen C1631597, MONDO:0011484, OMIM 604772.

Allele frequency attached by ClinVar (database versions not stated): gnomAD exomes below 0.00001; gnomAD 0.00001; TOPMed 0.00001.
gnomAD v4.1: 2 of 1,611,224 alleles (0.00012%); highest among the groups gnomAD compares: Non-Finnish European, 0.00017%; no homozygotes.

Submissions (2):

Labcorp Genetics (formerly Invitae), Labcorp
Classification: Uncertain significance for Catecholaminergic polymorphic ventricular tachycardia 1. Last evaluated: 2026-01-14. Review status: criteria provided, single submitter. Criteria: Invitae Variant Classification Sherloc (09022015). Collection method: clinical testing. Allele origin: germline.
Comment: This sequence change replaces arginine, which is basic and polar, with glutamine, which is neutral and polar, at codon 4663 of the RYR2 protein (p.Arg4663Gln). This variant is not present in population databases (gnomAD no frequency). This variant has not been reported in the literature in individuals affected with RYR2-related conditions. ClinVar contains an entry for this variant (Variation ID: 2717907). Invitae Evidence Modeling of protein sequence and biophysical properties (such as structural, functional, and spatial information, amino acid conservation, physicochemical variation, residue mobility, and thermodynamic stability) indicates that this missense variant is not expected to disrupt RYR2 protein function with a negative predictive value of 95%. In summary, the available evidence is currently insufficient to determine the role of this variant in disease. Therefore, it has been classified as a Variant of Uncertain Significance.

All of Us Research Program, National Institutes of Health
Classification: Uncertain significance for Catecholaminergic polymorphic ventricular tachycardia. Last evaluated: 2023-06-26. Review status: criteria provided, single submitter. Criteria: ACMG Guidelines, 2015. Collection method: clinical testing. Allele origin: germline. Inheritance: Autosomal dominant inheritance. Observed: 1 variant allele, 1 heterozygote.
Comment: This missense variant replaces arginine with glutamine at codon 4663 of the RYR2 protein. Computational prediction suggests that this variant may not impact protein structure and function (internally defined REVEL score threshold <= 0.5, PMID: 27666373). To our knowledge, functional studies have not been reported for this variant. This variant has not been reported in individuals affected with RYR2-related disorders in the literature. This variant has not been identified in the general population by the Genome Aggregation Database (gnomAD). The available evidence is insufficient to determine the role of this variant in disease conclusively. Therefore, this variant is classified as a Variant of Uncertain Significance.

This study involves interpretation of variants in research participants for the purpose of population health screening. Participant phenotype was not available at the time of variant classification. Additional details can be found in publication PMID: 35346344, PMCID: PMC8962531